The following is an entry in ClinVar:

NM_000222.3(KIT):c.1312A>C (p.Ile438Leu)

Gene: KIT (KIT proto-oncogene, receptor tyrosine kinase; plus strand). Cytogenetic location: 4q12.
Variant type: single nucleotide variant.
Coding change: c.1312A>C on transcript NM_000222.3 (MANE Select); coding-DNA position 1312, A replaced by C.
Protein change: p.Ile438Leu; replaces isoleucine 438 with leucine.
Molecular consequence: missense variant.
Genome position (GRCh38, 1-based): chr4:54,723,664, A>C. VCF-style: chr4-54723664-A-C. GRCh37 (hg19) VCF-style: chr4-55589830-A-C.
Other names: c.1312A>C, p.Ile438Leu (NM_001093772.2, NM_001385285.1, NM_001385286.1); c.1315A>C, p.Ile439Leu (NM_001385284.1, NM_001385288.1, NM_001385290.1 and 1 more transcripts); short protein forms I438L, I439L.
Identifiers: ClinVar variation 4858942 (VCV004858942.1).
Genomic context (GRCh38, chr4:54,723,664, plus strand): 5'-TACGACAGGCTCGTGAATGGCATGCTCCAATGTGTGGCAGCAGGATTCCCAGAGCCCACA[A>C]TAGATTGGTATTTTTGTCCAGGAACTGAGCAGAGGTGAGATGATTATTTTTGGCACTGCT-3'
Protein context (NP_000213.1, residues 428-448): CVAAGFPEPT[Ile438Leu]DWYFCPGTEQ

ClinVar aggregate classification (germline): Uncertain significance (1 of 4 stars; one submission).

Conditions:
Hereditary cancer-predisposing syndrome. Also called: Neoplastic Syndromes, Hereditary; Tumor predisposition; Hereditary Cancer Syndrome; Hereditary neoplastic syndrome. Identifiers: Orphanet 140162, MedGen C0027672, MeSH D009386, MONDO:0015356.

Submission:

Ambry Genetics
Classification: Uncertain significance for Hereditary cancer-predisposing syndrome. Last evaluated: 2026-05-22. Review status: criteria provided, single submitter. Criteria: Ambry Variant Classification Scheme 2023. Collection method: clinical testing. Allele origin: germline.
Comment: The p.I438L variant (also known as c.1312A>C), located in coding exon 8 of the KIT gene, results from an A to C substitution at nucleotide position 1312. The isoleucine at codon 438 is replaced by leucine, an amino acid with highly similar properties. This amino acid position is well conserved in available vertebrate species. In addition, this alteration is predicted to be tolerated by in silico analysis. Based on the available evidence, the clinical significance of this variant remains unclear.